The following is an entry in ClinVar:

NM_006158.5(NEFL):c.1395A>G (p.Glu465=)

Gene: NEFL (neurofilament light chain; minus strand). Cytogenetic location: 8p21.2.
Variant type: single nucleotide variant.
Coding change: c.1395A>G on transcript NM_006158.5 (MANE Select); coding-DNA position 1395, A replaced by G.
Protein change: p.Glu465=; no amino-acid change (glutamic acid 465 retained).
Molecular consequence: synonymous variant.
Genome position (GRCh38, 1-based): chr8:24,953,570, T>C on the plus strand (A>G on the coding strand, the complement: NEFL is on the minus strand). VCF-style: chr8-24953570-T-C. GRCh37 (hg19) VCF-style: chr8-24811084-T-C.
Identifiers: ClinVar variation 681610 (VCV000681610.8), dbSNP rs755320728, ClinGen allele CA4681282.
Genomic context (GRCh38, chr8:24,953,570, plus strand): 5'-CTCTTCCTTGTCCTTCTCCTCCTCCTCGGCTTCTCCTTCAGAGGGGGGCTCATCCTTGGC[T>C]TCCTCAGCCTTGGCAGCCTCAATGGTTTCCTCCACTTCGATCTGCTCCTCTTGGACATGG-3'
Protein context (NP_006149.2, residues 455-475): EETIEAAKAE[Glu465=]AKDEPPSEGE

ClinVar aggregate classification (germline): Likely benign. Review status: criteria provided, multiple submitters, no conflicts (2 of 4 stars). 2 submissions from 2 submitters: Likely benign (2). Last evaluated 2019-06-18.

Conditions:
Charcot-Marie-Tooth disease type 2E (CMT2E). Also called: CHARCOT-MARIE-TOOTH DISEASE, AXONAL, TYPE 2E; CHARCOT-MARIE-TOOTH NEUROPATHY, TYPE 2E. Identifiers: Orphanet 99939, MedGen C1843225, MONDO:0011894, OMIM 607684.

Allele frequency attached by ClinVar (database versions not stated): gnomAD exomes 0.00001; TOPMed 0.00001; ExAC 0.00003.

Submissions (2):

Labcorp Genetics (formerly Invitae), Labcorp
Classification: Likely benign for Charcot-Marie-Tooth disease type 2E. Last evaluated: 2019-06-18. Review status: criteria provided, single submitter. Criteria: Invitae Variant Classification Sherloc (09022015). Collection method: clinical testing. Allele origin: germline.

GeneDx
Classification: Likely benign. Last evaluated: 2018-04-09. Review status: criteria provided, single submitter. Criteria: GeneDx Variant Classification (06012015). Collection method: clinical testing. Allele origin: germline. Affected: yes.
Comment: This variant is considered likely benign or benign based on one or more of the following criteria: it is a conservative change, it occurs at a poorly conserved position in the protein, it is predicted to be benign by multiple in silico algorithms, and/or has population frequency not consistent with disease.